The following is an entry in ClinVar:

NM_001122769.3(LCA5):c.1595C>T (p.Pro532Leu)

Gene: LCA5 (lebercilin LCA5; minus strand). Cytogenetic location: 6q14.1.
Variant type: single nucleotide variant.
Coding change: c.1595C>T on transcript NM_001122769.3 (MANE Select); coding-DNA position 1595, C replaced by T.
Protein change: p.Pro532Leu; replaces proline 532 with leucine.
Molecular consequence: missense variant.
Genome position (GRCh38, 1-based): chr6:79,487,503, G>A on the plus strand (C>T on the coding strand, the complement: LCA5 is on the minus strand). VCF-style: chr6-79487503-G-A. GRCh37 (hg19) VCF-style: chr6-80197220-G-A.
Other names: c.1595C>T, p.Pro532Leu (NM_181714.4); short protein forms P532L.
Identifiers: ClinVar variation 1371058 (VCV001371058.4), dbSNP rs532500940, ClinGen allele CA364639854.

ClinVar aggregate classification (germline): Uncertain significance. Review status: criteria provided, multiple submitters, no conflicts (2 of 4 stars). 2 submissions from 2 submitters: Uncertain significance (2). Last evaluated 2022-10-24.

gnomAD v4.1: 2 of 1,613,982 alleles (0.00012%); highest among the groups gnomAD compares: Non-Finnish European, 0.000085%; no homozygotes.

Submissions (2):

Labcorp Genetics (formerly Invitae), Labcorp
Classification: Uncertain significance. Last evaluated: 2022-10-24. Review status: criteria provided, single submitter. Criteria: Invitae Variant Classification Sherloc (09022015). Collection method: clinical testing. Allele origin: germline.
Comment: This sequence change replaces proline, which is neutral and non-polar, with leucine, which is neutral and non-polar, at codon 532 of the LCA5 protein (p.Pro532Leu). This variant is not present in population databases (gnomAD no frequency). This variant has not been reported in the literature in individuals affected with LCA5-related conditions. ClinVar contains an entry for this variant (Variation ID: 1371058). Advanced modeling of protein sequence and biophysical properties (such as structural, functional, and spatial information, amino acid conservation, physicochemical variation, residue mobility, and thermodynamic stability) performed at Invitae indicates that this missense variant is not expected to disrupt LCA5 protein function. In summary, the available evidence is currently insufficient to determine the role of this variant in disease. Therefore, it has been classified as a Variant of Uncertain Significance.

Blueprint Genetics
Classification: Uncertain significance. Last evaluated: 2021-09-26. Review status: criteria provided, single submitter. Criteria: ACMG Guidelines, 2015. Collection method: clinical testing. Allele origin: germline.